The following is an entry in ClinVar:

ClinVar aggregate classification (germline): Benign/Likely benign. Review status: criteria provided, multiple submitters, no conflicts (2 of 4 stars). 6 submissions from 6 submitters: Benign (1); Likely benign (4). 1 of the submissions does not count toward it. Last evaluated 2025-12-08.

Conditions:
Aortic valve disease 2 (AOVD2). Identifiers: MedGen C3542024, MONDO:0013902, OMIM 614823.
Inborn genetic diseases. Identifiers: MedGen C0950123, MeSH D030342.
SMAD6-related disease. Also called: SMAD6-related condition; SMAD6-related disorder. Identifiers: MedGen CN381596, MONDO:0700324.

Allele frequency attached by ClinVar (database versions not stated): TOPMed 0.00006; gnomAD 0.00008 and 0.00009; gnomAD exomes 0.00010 and 0.00011; ExAC 0.00011.
gnomAD v4.1: 165 of 1,608,492 alleles (0.01%); highest among the groups gnomAD compares: Middle Eastern, 0.049%; no homozygotes.

Submissions (6):

Labcorp Genetics (formerly Invitae), Labcorp
Classification: Likely benign for Aortic valve disease 2. Last evaluated: 2025-12-08. Review status: criteria provided, single submitter. Criteria: Invitae Variant Classification Sherloc (09022015). Collection method: clinical testing. Allele origin: germline.

Mayo Clinic Laboratories, Mayo Clinic
Classification: Likely benign. Last evaluated: 2025-06-26. Review status: criteria provided, single submitter. Criteria: ACMG Guidelines, 2015. Collection method: clinical testing. Allele origin: germline. Observed: 2 variant alleles.
Comment: BP4, BP7

Blueprint Genetics
Classification: Likely benign. Last evaluated: 2024-11-08. Review status: criteria provided, single submitter. Criteria: ACMG Guidelines, 2015. Collection method: clinical testing. Allele origin: germline.

Women's Health and Genetics/Laboratory Corporation of America, LabCorp
Classification: Benign. Last evaluated: 2024-04-21. Review status: criteria provided, single submitter. Criteria: LabCorp Variant Classification Summary - May 2015. Collection method: clinical testing. Allele origin: germline.

Ambry Genetics
Classification: Likely benign for Inborn genetic diseases. Last evaluated: 2019-11-16. Review status: criteria provided, single submitter. Criteria: Ambry Variant Classification Scheme 2023. Collection method: clinical testing. Allele origin: germline.

PreventionGenetics, part of Exact Sciences
Classification: Likely benign for SMAD6-related condition. Last evaluated: 2020-02-14. Review status: no assertion criteria provided. Collection method: clinical testing. Allele origin: germline. Not counted in ClinVar's aggregate classification.
Comment: This variant is classified as likely benign based on ACMG/AMP sequence variant interpretation guidelines (Richards et al. 2015 PMID: 25741868, with internal and published modifications).

NM_005585.5(SMAD6):c.1191C>T (p.Pro397=)

Gene: SMAD6 (SMAD family member 6; plus strand). Cytogenetic location: 15q22.31.
Variant type: single nucleotide variant.
Coding change: c.1191C>T on transcript NM_005585.5 (MANE Select); coding-DNA position 1191, C replaced by T.
Protein change: p.Pro397=; no amino-acid change (proline 397 retained).
Molecular consequence: synonymous variant. On other transcripts: non-coding transcript variant (1).
Genome position (GRCh38, 1-based): chr15:66,781,235, C>T. VCF-style: chr15-66781235-C-T. GRCh37 (hg19) VCF-style: chr15-67073573-C-T.
Other names: p.Pro397=.
Identifiers: ClinVar variation 471747 (VCV000471747.17), dbSNP rs551875695, ClinGen allele CA7626745.
Genomic context (GRCh38, chr15:66,781,235, plus strand): 5'-CGAGTCGGTGCGGCGAACGCGCAGCAAGATCGGCTTCGGCATCCTGCTCAGCAAGGAGCC[C>T]GACGGCGTGTGGGCCTACAACCGCGGCGAGCACCCCATCTTCGTCAACTCCCCGACGCTG-3'
Protein context (NP_005576.3, residues 387-407): IGFGILLSKE[Pro397=]DGVWAYNRGE